The following is an entry in ClinVar:

NM_001042545.2(LTBP4):c.4280C>G (p.Pro1427Arg)

Gene: LTBP4 (latent transforming growth factor beta binding protein 4; plus strand). Cytogenetic location: 19q13.2.
Variant type: single nucleotide variant.
Coding change: c.4280C>G on transcript NM_001042545.2 (MANE Select); coding-DNA position 4280, C replaced by G.
Protein change: p.Pro1427Arg; replaces proline 1427 with arginine.
Molecular consequence: missense variant.
Genome position (GRCh38, 1-based): chr19:40,627,269, C>G. VCF-style: chr19-40627269-C-G. GRCh37 (hg19) VCF-style: chr19-41133174-C-G.
Other names: c.4481C>G, p.Pro1494Arg (NM_001042544.1); c.4370C>G, p.Pro1457Arg (NM_003573.2); short protein forms P1427R, P1457R, P1494R.
Identifiers: ClinVar variation 2076694 (VCV002076694.4), dbSNP rs749554281, ClinGen allele CA9449271.

ClinVar aggregate classification (germline): Uncertain significance. Review status: criteria provided, multiple submitters, no conflicts (2 of 4 stars). 2 submissions from 2 submitters: Uncertain significance (2). Last evaluated 2026-01-09.

Conditions:
LTBP4-related disorder. Also called: LTBP4-related condition.

Submissions (2):

PreventionGenetics, part of Exact Sciences
Classification: Uncertain significance for LTBP4-related condition. Last evaluated: 2026-01-09. Review status: criteria provided, single submitter. Criteria: ACMG Guidelines, 2015. Collection method: clinical testing. Allele origin: germline.
Comment: The LTBP4 c.4370C>G variant is predicted to result in the amino acid substitution p.Pro1457Arg. To our knowledge, this variant has not been reported in the literature. This variant is reported in 0.042% of alleles in individuals of East Asian descent in gnomAD. At this time, the clinical significance of this variant is uncertain due to the absence of conclusive functional and genetic evidence.

Labcorp Genetics (formerly Invitae), Labcorp
Classification: Uncertain significance. Last evaluated: 2022-03-04. Review status: criteria provided, single submitter. Criteria: Invitae Variant Classification Sherloc (09022015). Collection method: clinical testing. Allele origin: germline.
Comment: This sequence change replaces proline, which is neutral and non-polar, with arginine, which is basic and polar, at codon 1457 of the LTBP4 protein (p.Pro1457Arg). This variant is present in population databases (rs749554281, gnomAD 0.04%). This variant has not been reported in the literature in individuals affected with LTBP4-related conditions. Experimental studies and prediction algorithms are not available or were not evaluated, and the functional significance of this variant is currently unknown. In summary, the available evidence is currently insufficient to determine the role of this variant in disease. Therefore, it has been classified as a Variant of Uncertain Significance.